The following is an entry in ClinVar:

NM_139137.4(KCNC2):c.*743A>C

Gene: KCNC2 (potassium voltage-gated channel subfamily C member 2; minus strand). Cytogenetic location: 12q21.1.
Variant type: single nucleotide variant.
Coding change: c.*743A>C on transcript NM_139137.4 (MANE Select); 743 bases downstream of the stop codon, A replaced by C.
Molecular consequence: 3 prime UTR variant. On other transcripts: missense variant (4), non-coding transcript variant (2), intron variant (2).
Genome position (GRCh38, 1-based): chr12:75,042,362, T>G on the plus strand (A>C on the coding strand, the complement: KCNC2 is on the minus strand). VCF-style: chr12-75042362-T-G. GRCh37 (hg19) VCF-style: chr12-75436142-T-G.
Other names: c.*1375A>C (NM_001260497.2, NM_001414197.1, NM_001414198.1); c.*743A>C (NM_001260499.2, NM_001414192.1, NM_001414193.1 and 1 more transcripts); c.1793A>C, p.Glu598Ala (NM_001414195.1, NM_001414196.1, NM_139136.4); c.*925A>C (NM_001414202.1); c.*1497A>C (NM_001414206.1, NM_001414213.1); c.1628A>C, p.Glu543Ala (NM_153748.3); c.1616-914A>C (NM_001414199.1); c.1781-1156A>C (NM_001260498.2); short protein forms E543A, E598A.
Identifiers: ClinVar variation 4882731 (VCV004882731.2).

ClinVar aggregate classification (germline): Uncertain significance (1 of 4 stars; one submission).

Submission:

Dasa
Classification: Uncertain significance. Last evaluated: 2026-03-26. Review status: criteria provided, single submitter. Criteria: DASA Assertion Criteria. Collection method: clinical testing. Allele origin: germline.
Comment: NM_139136.4(KCNC2):c.1793A>C (p.Glu598Ala) is a missense variant that results in the substitution of glutamic acid with alanine. This variant is absent from population databases. The currently available literature and clinical evidence are not sufficient to establish a definitive association between this variant and the reported condition. Therefore, this variant is classified as a variant of uncertain significance.